The following is an entry in ClinVar:

ClinVar aggregate classification (germline): Conflicting classifications of pathogenicity. Review status: criteria provided, conflicting classifications (1 of 4 stars). 2 submissions from 2 submitters: Uncertain significance (1); Likely benign (1). Last evaluated 2023-03-23.

Conditions:
Hereditary cancer-predisposing syndrome. Also called: Neoplastic Syndromes, Hereditary; Tumor predisposition; Hereditary Cancer Syndrome; Hereditary neoplastic syndrome. Identifiers: Orphanet 140162, MedGen C0027672, MeSH D009386, MONDO:0015356.

Submissions (2):

University of Washington Department of Laboratory Medicine, University of Washington
Classification: Likely benign for Hereditary cancer-predisposing syndrome. Last evaluated: 2023-03-23. Review status: criteria provided, single submitter. Criteria: Dines et al. (Genet Med. 2020). Collection method: curation. Allele origin: germline.
Comment: Missense variant in a coldspot region where missense variants are very unlikely to be pathogenic (PMID:31911673).

BRCA1 coldspot (exon 11 using historical exon numbering). Reclassification based on statistical prior probability

Ambry Genetics
Classification: Uncertain significance for Hereditary cancer-predisposing syndrome. Last evaluated: 2019-06-20. Review status: criteria provided, single submitter. Criteria: Ambry Variant Classification Scheme 2023. Collection method: clinical testing. Allele origin: germline.
Comment: The p.Q640H variant (also known as c.1920A>C), located in coding exon 9 of the BRCA1 gene, results from an A to C substitution at nucleotide position 1920. The glutamine at codon 640 is replaced by histidine, an amino acid with highly similar properties. This amino acid position is not well conserved in available vertebrate species. In addition, the in silico prediction for this alteration is inconclusive. Since supporting evidence is limited at this time, the clinical significance of this alteration remains unclear.

NM_007294.4(BRCA1):c.1920A>C (p.Gln640His)

Gene: BRCA1 (BRCA1 DNA repair associated; minus strand). Cytogenetic location: 17q21.31.
Variant type: single nucleotide variant.
Coding change: c.1920A>C on transcript NM_007294.4 (MANE Select); coding-DNA position 1920, A replaced by C.
Protein change: p.Gln640His; replaces glutamine 640 with histidine.
Molecular consequence: missense variant. On other transcripts: intron variant (137).
Genome position (GRCh38, 1-based): chr17:43,093,611, T>G on the plus strand (A>C on the coding strand, the complement: BRCA1 is on the minus strand). VCF-style: chr17-43093611-T-G. GRCh37 (hg19) VCF-style: chr17-41245628-T-G.
Other names: c.1920A>C, p.Gln640His (NM_001407641.1, NM_001407642.1, NM_001407652.1 and 30 more transcripts); c.523+1133A>C (NM_001408498.1, NM_001408501.1, NM_001408500.1 and 3 more transcripts); c.451+1133A>C (NM_001408508.1, NM_001408509.1); c.574+1133A>C (NM_001408491.1, NM_001408493.1, NM_001408490.1); c.460+2235A>C (NM_001408506.1, NM_001408507.1); c.778+1133A>C (NM_001408408.1); c.709+1133A>C (NM_001408412.1, NM_001408409.1, NM_001408414.1 and 2 more transcripts); c.646+1133A>C (NM_001408467.1, NM_001408459.1, NM_001408458.1 and 11 more transcripts); and 40 more; short protein forms Q640H, Q593H, Q344H, Q573H, Q551H, Q569H, Q512H, Q513H.
Identifiers: ClinVar variation 820342 (VCV000820342.7), dbSNP rs587782843, ClinGen allele CA10598185.
Genomic context (GRCh38, chr17:43,093,611, plus strand): 5'-GACTGGCATTTGGTTGTACTTTTTTTTCTTTATCTCTTCACTGCTAGAACAACTATCAAT[T>G]TGCAATTCAGTACAATTAGGTGGGCTTAGATTTCTACTGACTACTAGTTCAAGCGCATGA-3'
Protein context (NP_009225.1, residues 630-650): NLSPPNCTEL[Gln640His]IDSCSSSEEI